The following is an entry in ClinVar:

NC_012920.1(MT-TF):m.633A>G

Gene: MT-TF (mitochondrially encoded tRNA phenylalanine; plus strand).
Variant type: single nucleotide variant.
Genome position: chrM-633-A-G.
Identifiers: ClinVar variation 689826 (VCV000689826.1), dbSNP rs1603218469, ClinGen allele CA913175682.

ClinVar aggregate classification (germline): Benign (1 of 4 stars; one submission).

Conditions:
MELAS syndrome (MELAS). Also called: Juvenile myopathy, encephalopathy, lactic acidosis, stroke. Identifiers: Orphanet 550, MedGen C0162671, MONDO:0010789, OMIM 540000.

Submission:

Wong Mito Lab, Molecular and Human Genetics, Baylor College of Medicine
Classification: Benign for MELAS syndrome. Last evaluated: 2019-07-12. Review status: criteria provided, single submitter. Criteria: Modified ACMG Guidelines (Unpublished). Collection method: clinical testing. Allele origin: germline.
Comment: The NC_012920.1:m.633A>G variant in MT-TF gene is interpreted to be a Benign variant based on the modified ACMG guidelines (unpublished). This variant meets the following evidence codes reported in the guidelines: BS1, BS4, BP4

Literature cited by the submitters: PubMed 31965079.